The following is an entry in ClinVar:

ClinVar aggregate classification (germline): Likely benign (1 of 4 stars; one submission).

Allele frequency attached by ClinVar (database versions not stated): 1000 Genomes Project 0.00060; 1000 Genomes Project 30x 0.00078; gnomAD 0.00100; TOPMed 0.00102; ExAC 0.00127; ESP Exome Variant Server 0.00131.
gnomAD v4.1: 2,086 of 1,612,914 alleles (0.13%); highest among the groups gnomAD compares: Non-Finnish European, 0.16%; 7 homozygotes.

Submission:

CeGaT Center for Human Genetics Tuebingen
Classification: Likely benign. Last evaluated: 2023-01-01. Review status: criteria provided, single submitter. Criteria: CeGaT Center For Human Genetics Tuebingen Variant Classification Criteria Version 2. Collection method: clinical testing. Allele origin: germline. Affected: yes. Observed: 1 variant allele.
Comment: ANKAR: BP4, BS2

NM_001378068.1(ANKAR):c.3815G>A (p.Arg1272His)

Gene: ANKAR (ankyrin and armadillo repeat containing; plus strand). Cytogenetic location: 2q32.2.
Variant type: single nucleotide variant.
Coding change: c.3815G>A on transcript NM_001378068.1 (MANE Select); coding-DNA position 3815, G replaced by A.
Protein change: p.Arg1272His; replaces arginine 1272 with histidine.
Molecular consequence: missense variant.
Genome position (GRCh38, 1-based): chr2:189,743,279, G>A. VCF-style: chr2-189743279-G-A. GRCh37 (hg19) VCF-style: chr2-190608005-G-A.
Other names: c.3815G>A, p.Arg1272His (NM_144708.3); short protein forms R1272H.
Identifiers: ClinVar variation 2651762 (VCV002651762.24), dbSNP rs80227981, ClinGen allele CA2025748.